The following is an entry in ClinVar:

ClinVar aggregate classification (germline): Uncertain significance (1 of 4 stars; one submission).

gnomAD v4.1: 1 of 1,614,028 alleles (0.000062%); highest among the groups gnomAD compares: Non-Finnish European, 0.000085%; no homozygotes.

Submission:

GeneDx
Classification: Uncertain significance. Last evaluated: 2023-12-12. Review status: criteria provided, single submitter. Criteria: GeneDx Variant Classification Process June 2021. Collection method: clinical testing. Allele origin: germline. Affected: yes.
Comment: Not observed at significant frequency in large population cohorts (gnomAD); In silico analysis supports that this missense variant has a deleterious effect on protein structure/function; Has not been previously published as pathogenic or benign to our knowledge; This variant is associated with the following publications: (PMID: 25016926, 31200363)

NM_000406.3(GNRHR):c.401T>C (p.Val134Ala)

Gene: GNRHR (gonadotropin releasing hormone receptor; minus strand). Cytogenetic location: 4q13.2.
Variant type: single nucleotide variant.
Coding change: c.401T>C on transcript NM_000406.3 (MANE Select); coding-DNA position 401, T replaced by C.
Protein change: p.Val134Ala; replaces valine 134 with alanine.
Molecular consequence: missense variant.
Genome position (GRCh38, 1-based): chr4:67,753,935, A>G on the plus strand (T>C on the coding strand, the complement: GNRHR is on the minus strand). VCF-style: chr4-67753935-A-G. GRCh37 (hg19) VCF-style: chr4-68619653-A-G.
Other names: c.401T>C, p.Val134Ala (NM_001012763.2); short protein forms V134A.
Identifiers: ClinVar variation 3365508 (VCV003365508.1).